The following is an entry in ClinVar:

ClinVar aggregate classification (germline): Uncertain significance (1 of 4 stars; one submission).

Conditions:
Cystic fibrosis (CF). Also called: MUCOVISCIDOSIS. Identifiers: Orphanet 586, MedGen C0010674, MONDO:0009061, OMIM 219700. Disease mechanism: loss of function.

Allele frequency attached by ClinVar (database versions not stated): TOPMed below 0.00001; ExAC 0.00001; gnomAD exomes below 0.00001.
gnomAD v4.1: 5 of 1,593,138 alleles (0.00031%); highest among the groups gnomAD compares: Non-Finnish European, 0.00043%; no homozygotes.

Submission:

Labcorp Genetics (formerly Invitae), Labcorp
Classification: Uncertain significance for Cystic fibrosis. Last evaluated: 2022-05-27. Review status: criteria provided, single submitter. Criteria: Invitae Variant Classification Sherloc (09022015). Collection method: clinical testing. Allele origin: germline.
Comment: This sequence change replaces isoleucine, which is neutral and non-polar, with valine, which is neutral and non-polar, at codon 616 of the CFTR protein (p.Ile616Val). This variant is present in population databases (rs746288410, gnomAD 0.002%). This variant has not been reported in the literature in individuals affected with CFTR-related conditions. Algorithms developed to predict the effect of missense changes on protein structure and function output the following: SIFT: "Tolerated"; PolyPhen-2: "Benign"; Align-GVGD: "Class C0". The valine amino acid residue is found in multiple mammalian species, which suggests that this missense change does not adversely affect protein function. In summary, the available evidence is currently insufficient to determine the role of this variant in disease. Therefore, it has been classified as a Variant of Uncertain Significance.

NM_000492.4(CFTR):c.1846A>G (p.Ile616Val)

Gene: CFTR (CF transmembrane conductance regulator; plus strand). Cytogenetic location: 7q31.2.
Variant type: single nucleotide variant.
Coding change: c.1846A>G on transcript NM_000492.4 (MANE Select); coding-DNA position 1846, A replaced by G.
Protein change: p.Ile616Val; replaces isoleucine 616 with valine.
Molecular consequence: missense variant.
Genome position (GRCh38, 1-based): chr7:117,592,013, A>G. VCF-style: chr7-117592013-A-G. GRCh37 (hg19) VCF-style: chr7-117232067-A-G.
Other names: short protein forms I616V.
Identifiers: ClinVar variation 2055576 (VCV002055576.1), dbSNP rs746288410, ClinGen allele CA4451104.